The following is an entry in ClinVar:

NM_001267550.2(TTN):c.53648G>A (p.Trp17883Ter)

Genes: TTN (titin; minus strand), TTN-AS1 (TTN antisense RNA 1; plus strand). Cytogenetic location: 2q31.2.
Variant type: single nucleotide variant.
Coding change: c.53648G>A on transcript NM_001267550.2 (MANE Select); coding-DNA position 53648, G replaced by A.
Protein change: p.Trp17883Ter; replaces tryptophan 17883 with a stop codon.
Molecular consequence: nonsense.
Genome position (GRCh38, 1-based): chr2:178,605,647, C>T on the plus strand (G>A on the coding strand, the complement: TTN is on the minus strand). VCF-style: chr2-178605647-C-T. GRCh37 (hg19) VCF-style: chr2-179470374-C-T.
Other names: c.48725G>A, p.Trp16242Ter (NM_001256850.1); c.26453G>A, p.Trp8818Ter (NM_003319.4); c.45944G>A, p.Trp15315Ter (NM_133378.4); c.26828G>A, p.Trp8943Ter (NM_133432.3); c.27029G>A, p.Trp9010Ter (NM_133437.4); short protein forms W16242*, W17883*, W15315*, W8818*, W8943*, W9010*.
Identifiers: ClinVar variation 915636 (VCV000915636.5), dbSNP rs1171413936, ClinGen allele CA349562126.

ClinVar aggregate classification (germline): Likely pathogenic. Review status: criteria provided, multiple submitters, no conflicts (2 of 4 stars). 2 submissions from 2 submitters: Likely pathogenic (2). Last evaluated 2024-12-17.

Conditions:
Autosomal recessive limb-girdle muscular dystrophy type 2J (LGMDR10). Also called: Limb-girdle muscular dystrophy, type 2J; MUSCULAR DYSTROPHY, LIMB-GIRDLE, AUTOSOMAL RECESSIVE 10. Identifiers: Orphanet 140922, MedGen C1837342, MONDO:0012127, OMIM 608807.
Dilated cardiomyopathy 1G (CMD1G). Identifiers: Orphanet 154, MedGen C1858763, MONDO:0011400, OMIM 604145.
Cardiomyopathy (CMYO). Also called: Cardiomyopathies. Identifiers: Orphanet 167848, MedGen C0878544, MONDO:0004994, HP:0001638. Inheritance: Various modes of inheritance.

Allele frequency attached by ClinVar (database versions not stated): gnomAD exomes below 0.00001; TOPMed below 0.00001.
gnomAD v4.1: 1 of 1,610,752 alleles (0.000062%); highest among the groups gnomAD compares: African/African-American, 0.0013%; no homozygotes.

Submissions (2):

Labcorp Genetics (formerly Invitae), Labcorp
Classification: Likely pathogenic for Dilated cardiomyopathy 1G; Autosomal recessive limb-girdle muscular dystrophy type 2J. Last evaluated: 2024-12-17. Review status: criteria provided, single submitter. Criteria: Invitae Variant Classification Sherloc (09022015). Collection method: clinical testing. Allele origin: germline.
Comment: This sequence change creates a premature translational stop signal (p.Trp17883*) in the TTN gene. While this is not anticipated to result in nonsense mediated decay, it is expected to create a truncated TTN protein. This variant is present in population databases (no rsID available, gnomAD 0.007%). This variant has not been reported in the literature in individuals affected with TTN-related conditions. ClinVar contains an entry for this variant (Variation ID: 915636). This variant is located in the A band of TTN (PMID: 25589632). Truncating variants in this region are significantly overrepresented in patients affected with dilated cardiomyopathy (PMID: 25589632). Truncating variants in this region have also been reported in individuals affected with autosomal recessive centronuclear myopathy (PMID: 23975875). In summary, the currently available evidence indicates that the variant is pathogenic, but additional data are needed to prove that conclusively. Therefore, this variant has been classified as Likely Pathogenic.

CHEO Genetics Diagnostic Laboratory, Children's Hospital of Eastern Ontario
Classification: Likely pathogenic for Cardiomyopathy. Last evaluated: 2020-07-22. Review status: criteria provided, single submitter. Criteria: ACMG Guidelines, 2015. Collection method: clinical testing. Allele origin: germline.

Literature cited by the submitters: PubMed 25589632 (cited by Labcorp Genetics (formerly Invitae), Labcorp); PubMed 23975875 (cited by Labcorp Genetics (formerly Invitae), Labcorp).